The following is an entry in ClinVar:

ClinVar aggregate classification (germline): Uncertain significance (1 of 4 stars; one submission).

Conditions:
T-cell immunodeficiency, congenital alopecia, and nail dystrophy. Also called: Congenital alopecia and nail dystrophy associated with severe functional T-cell immunodeficiency; Pignata Guarino syndrome. Identifiers: Orphanet 169095, MedGen C1866426, MONDO:0011132, OMIM 601705.

Submission:

Labcorp Genetics (formerly Invitae), Labcorp
Classification: Uncertain significance for T-cell immunodeficiency, congenital alopecia, and nail dystrophy. Last evaluated: 2024-04-25. Review status: criteria provided, single submitter. Criteria: Invitae Variant Classification Sherloc (09022015). Collection method: clinical testing. Allele origin: germline.
Comment: This sequence change replaces proline, which is neutral and non-polar, with arginine, which is basic and polar, at codon 219 of the FOXN1 protein (p.Pro219Arg). This variant is not present in population databases (gnomAD no frequency). This variant has not been reported in the literature in individuals affected with FOXN1-related conditions. ClinVar contains an entry for this variant (Variation ID: 1372383). Advanced modeling of protein sequence and biophysical properties (such as structural, functional, and spatial information, amino acid conservation, physicochemical variation, residue mobility, and thermodynamic stability) performed at Invitae indicates that this missense variant is not expected to disrupt FOXN1 protein function with a negative predictive value of 80%. In summary, the available evidence is currently insufficient to determine the role of this variant in disease. Therefore, it has been classified as a Variant of Uncertain Significance.

NM_001369369.1(FOXN1):c.656C>G (p.Pro219Arg)

Gene: FOXN1 (forkhead box N1; plus strand). Cytogenetic location: 17q11.2.
Variant type: single nucleotide variant.
Coding change: c.656C>G on transcript NM_001369369.1 (MANE Select); coding-DNA position 656, C replaced by G.
Protein change: p.Pro219Arg; replaces proline 219 with arginine.
Molecular consequence: missense variant.
Genome position (GRCh38, 1-based): chr17:28,527,318, C>G. VCF-style: chr17-28527318-C-G. GRCh37 (hg19) VCF-style: chr17-26854336-C-G.
Other names: c.656C>G, p.Pro219Arg (NM_003593.3); short protein forms P219R.
Identifiers: ClinVar variation 1372383 (VCV001372383.6), dbSNP rs2151490001, ClinGen allele CA398322368.